The following is an entry in ClinVar:

ClinVar aggregate classification (germline): Likely pathogenic. Review status: criteria provided, multiple submitters, no conflicts (2 of 4 stars). 2 submissions from 2 submitters: Likely pathogenic (2). Last evaluated 2025-07-17.

Conditions:
Autosomal recessive limb-girdle muscular dystrophy type 2J (LGMDR10). Also called: Limb-girdle muscular dystrophy, type 2J; MUSCULAR DYSTROPHY, LIMB-GIRDLE, AUTOSOMAL RECESSIVE 10. Identifiers: Orphanet 140922, MedGen C1837342, MONDO:0012127, OMIM 608807.
Dilated cardiomyopathy 1G (CMD1G). Identifiers: Orphanet 154, MedGen C1858763, MONDO:0011400, OMIM 604145.
Cardiovascular phenotype. Identifiers: MedGen CN230736.

Submissions (2):

Ambry Genetics
Classification: Likely pathogenic for Cardiovascular phenotype. Last evaluated: 2025-07-17. Review status: criteria provided, single submitter. Criteria: Ambry Variant Classification Scheme 2023. Collection method: clinical testing. Allele origin: germline.
Comment: The c.15091_15098dupGACAAATT variant, located in coding exon 57 of the TTN gene, results from a duplication of GACAAATT at nucleotide position 15091, causing a translational frameshift with a predicted alternate stop codon (p.F5033Lfs*46). This exon is located in the I-band region of the N2-B isoform of the titin protein and is constitutively expressed in TTN transcripts (percent spliced in or PSI 100%). This variant was reported in individual(s) with features consistent with dilated cardiomyopathy (Ambry internal data). This variant is considered to be rare based on population cohorts in the Genome Aggregation Database (gnomAD). This variant is expected to result in loss of function by premature protein truncation or nonsense-mediated mRNA decay. While truncating variants in TTN are present in 1-3% of the general population, truncating variants in the A-band are the most common cause of dilated cardiomyopathy (Herman DS et al. N. Engl. J. Med., 2012 Feb;366:619-28; Roberts AM et al. Sci Transl Med, 2015 Jan;7:270ra6). TTN truncating variants encoded in constitutive exons (PSI >90%) have been found to be significantly associated with DCM regardless of their position in titin (Schafer S et al. Nat. Genet., 2017 01;49:46-53; Akhtar MM et al. Circ Heart Fail, 2020 Oct;13:e006832; Massier M et al. Clin Genet, 2025 Jan). Based on the majority of available evidence to date, this variant is likely to be pathogenic.

Labcorp Genetics (formerly Invitae), Labcorp
Classification: Likely pathogenic for Dilated cardiomyopathy 1G; Autosomal recessive limb-girdle muscular dystrophy type 2J. Last evaluated: 2025-06-09. Review status: criteria provided, single submitter. Criteria: Invitae Variant Classification Sherloc (09022015). Collection method: clinical testing. Allele origin: germline.
Comment: This sequence change creates a premature translational stop signal (p.Phe14098Leufs*46) in the TTN gene. While this is not anticipated to result in nonsense mediated decay, it is expected to create a truncated TTN protein. This variant is present in population databases (no rsID available, gnomAD 0.003%). This variant has not been reported in the literature in individuals affected with TTN-related conditions. This variant is located in the I band of TTN (PMID: 25589632). Truncating variants in this region have been reported in individuals affected with autosomal recessive centronuclear myopathy (PMID: 23975875, internal data). Truncating variants in this region have also been identified in individuals affected with autosomal dominant dilated cardiomyopathy and/or cardio-related conditions (PMID: 27869827, 32964742, internal data). In summary, the currently available evidence indicates that the variant is pathogenic, but additional data are needed to prove that conclusively. Therefore, this variant has been classified as Likely Pathogenic.

Literature cited by the submitters: PubMed 25589632 (cited by Labcorp Genetics (formerly Invitae), Labcorp); PubMed 23975875 (cited by Labcorp Genetics (formerly Invitae), Labcorp); PubMed 27869827 (cited by Labcorp Genetics (formerly Invitae), Labcorp); PubMed 32964742 (cited by Labcorp Genetics (formerly Invitae), Labcorp).

NM_001267550.2(TTN):c.42286_42293dup (p.Phe14098fs)

Gene: TTN (titin; minus strand). Cytogenetic location: 2q31.2.
Variant type: Duplication.
Coding change: c.42286_42293dup on transcript NM_001267550.2 (MANE Select); coding-DNA positions 42286 to 42293, 8 bases duplicated (GACAAATT; older notation c.42286_42293dupGACAAATT).
Protein change: p.Phe14098fs; shifts the reading frame from phenylalanine 14098.
Molecular consequence: frameshift variant.
Genome position (GRCh38, 1-based): chr2:178,634,488-178,634,495, AATTTGTC duplicated on the plus strand (GACAAATT on the coding strand, the reverse complement: TTN is on the minus strand); duplicating any 8 consecutive bases within chr2:178,634,488-178,634,496 gives the same sequence; the c. name uses the placement nearest the transcript's 3' end. VCF-style (leftmost placement, unchanged base first): chr2-178634487-A-AAATTTGTC. GRCh37 (hg19) VCF-style: chr2-179499214-A-AAATTTGTC.
Other names: c.15091_15098dupGACAAATT (NM_003319.4); c.37363_37370dup, p.Phe12457fs (NM_001256850.1); c.15091_15098dup, p.Phe5033fs (NM_003319.4); c.34582_34589dup, p.Phe11530fs (NM_133378.4); c.15466_15473dup, p.Phe5158fs (NM_133432.3); c.15667_15674dup, p.Phe5225fs (NM_133437.4); short protein forms F12457fs, F5158fs, F5225fs, F14098fs, F11530fs, F5033fs.
Identifiers: ClinVar variation 4193728 (VCV004193728.2).